The following is an entry in ClinVar:

NM_000138.5(FBN1):c.2393A>G (p.Tyr798Cys)

Gene: FBN1 (fibrillin 1; minus strand). Cytogenetic location: 15q21.1.
Variant type: single nucleotide variant.
Coding change: c.2393A>G on transcript NM_000138.5 (MANE Select); coding-DNA position 2393, A replaced by G.
Protein change: p.Tyr798Cys; replaces tyrosine 798 with cysteine.
Molecular consequence: missense variant.
Genome position (GRCh38, 1-based): chr15:48,496,126, T>C on the plus strand (A>G on the coding strand, the complement: FBN1 is on the minus strand). VCF-style: chr15-48496126-T-C. GRCh37 (hg19) VCF-style: chr15-48788323-T-C.
Other names: short protein forms Y798C.
Identifiers: ClinVar variation 418193 (VCV000418193.12), dbSNP rs1064793112, ClinGen allele CA16619966.

ClinVar aggregate classification (germline): Conflicting classifications of pathogenicity. Review status: criteria provided, conflicting classifications (1 of 4 stars). 4 submissions from 4 submitters: Likely pathogenic (1); Uncertain significance (3). Last evaluated 2026-09-11.

Conditions:
Familial thoracic aortic aneurysm and aortic dissection (TAAD). Also called: Thoracic aortic aneurysms and dissections. Identifiers: Orphanet 91387, MedGen C4707243, MONDO:0019625.
Marfan syndrome (MFS). Also called: MARFAN SYNDROME, TYPE I; Marfan syndrome, classic; FBN1-Related Marfan Syndrome; Marfan syndrome type 1; Marfan's syndrome. Identifiers: Orphanet 284963, Orphanet 558, MedGen C0024796, MONDO:0007947, OMIM 154700.

Allele frequency attached by ClinVar (database versions not stated): gnomAD 0.00001; TOPMed 0.00001; gnomAD exomes below 0.00001.
gnomAD v4.1: 4 of 1,613,734 alleles (0.00025%); highest among the groups gnomAD compares: African/African-American, 0.0013%; no homozygotes.

Submissions (4):

GeneDx
Classification: Likely pathogenic. Last evaluated: 2026-09-11. Review status: criteria provided, single submitter. Criteria: GeneDx Variant Classification Process June 2021. Collection method: clinical testing. Allele origin: germline.
Comment: Has been reported in association with Marfan or Marfan-like syndrome in published literature (PMID: 25652356); Introduces a new cysteine residue within an EGF-like domain of the FBN1 gene, which may affect disulfide bonding and is predicted to alter the structure and function of the protein; cysteine substitutions in the EGF-like domains represent the majority of pathogenic missense changes associated with FBN1-related disorders (PMID: 12938084); In silico analysis supports that this missense variant has a deleterious effect on protein structure/function; Not observed at significant frequency in large population cohorts (gnomAD); This variant is associated with the following publications: (PMID: 25652356, 12938084)

Ambry Genetics
Classification: Uncertain significance for Familial thoracic aortic aneurysm and aortic dissection. Last evaluated: 2026-07-13. Review status: criteria provided, single submitter. Criteria: Ambry Variant Classification Scheme 2023. Collection method: clinical testing. Allele origin: germline.
Comment: The p.Y798C variant (also known as c.2393A>G), located in coding exon 19 of the FBN1 gene, results from an A to G substitution at nucleotide position 2393. The tyrosine at codon 798 is replaced by cysteine, an amino acid with highly dissimilar properties. The majority of FBN1 mutations identified to date have involved the substitution or generation of cysteine residues within cbEGF domains (Vollbrandt T et al. J Biol Chem. 2004;279(31):32924-32931). This variant was reported in individual(s) in a Marfan syndrome cohort; however, clinical details were limited (Baudhuin LM et al. J Hum Genet, 2015 May;60:241-52). This amino acid position is not well conserved in available vertebrate species. In addition, the in silico prediction for this alteration is inconclusive. Based on the available evidence, the clinical significance of this variant remains unclear.

Labcorp Genetics (formerly Invitae), Labcorp
Classification: Uncertain significance for Marfan syndrome; Familial thoracic aortic aneurysm and aortic dissection. Last evaluated: 2025-07-01. Review status: criteria provided, single submitter. Criteria: Invitae Variant Classification Sherloc (09022015). Collection method: clinical testing. Allele origin: germline.
Comment: This sequence change replaces tyrosine, which is neutral and polar, with cysteine, which is neutral and slightly polar, at codon 798 of the FBN1 protein (p.Tyr798Cys). This variant is present in population databases (no rsID available, gnomAD 0.004%). This missense change has been observed in individual(s) with clinical features of Marfan syndrome and/or clinical features of thoracic aortic aneurysm and aortic dissection (PMID: 25652356; internal data). It has also been observed to segregate with disease in related individuals. ClinVar contains an entry for this variant (Variation ID: 418193). Invitae Evidence Modeling of protein sequence and biophysical properties (such as structural, functional, and spatial information, amino acid conservation, physicochemical variation, residue mobility, and thermodynamic stability) indicates that this missense variant is expected to disrupt FBN1 protein function with a positive predictive value of 95%. In summary, the available evidence is currently insufficient to determine the role of this variant in disease. Therefore, it has been classified as a Variant of Uncertain Significance.

CHEO Genetics Diagnostic Laboratory, Children's Hospital of Eastern Ontario
Classification: Uncertain significance for Familial thoracic aortic aneurysm and aortic dissection. Last evaluated: 2022-11-04. Review status: criteria provided, single submitter. Criteria: ACMG Guidelines, 2015. Collection method: clinical testing. Allele origin: germline.

Literature cited by the submitters: PubMed 25652356 (cited by Ambry Genetics and Labcorp Genetics (formerly Invitae), Labcorp).